The following is an entry in ClinVar:

NM_001372.4(DNAH9):c.8061+2T>C

Gene: DNAH9 (dynein axonemal heavy chain 9; plus strand). Cytogenetic location: 17p12.
Variant type: single nucleotide variant.
Coding change: c.8061+2T>C on transcript NM_001372.4 (MANE Select); the canonical splice donor site of the intron after coding-DNA position 8061, T replaced by C.
Molecular consequence: splice donor variant.
Genome position (GRCh38, 1-based): chr17:11,784,541, T>C. VCF-style: chr17-11784541-T-C. GRCh37 (hg19) VCF-style: chr17-11687858-T-C.
Identifiers: ClinVar variation 2630228 (VCV002630228.1), dbSNP rs1968790427, ClinGen allele CA398194093.
Genomic context (GRCh38, chr17:11,784,541, plus strand): 5'-CCACAGGAATCAAATTCCACTACATCTTCAACCTCAGAGATTTTGCCAACATTTTCCAGG[T>C]GAGTTCATCGGCTCCGAGACACCCTAGGGGCTTAGTGATTATCCAGATGCTCCGATTCTT-3'

ClinVar aggregate classification (germline): Likely pathogenic (1 of 4 stars; one submission).

Conditions:
DNAH9-related disorder. Also called: DNAH9-related condition.

Allele frequency attached by ClinVar (database versions not stated): gnomAD exomes 0.00001.
gnomAD v4.1: 16 of 1,614,116 alleles (0.00099%); highest among the groups gnomAD compares: African/African-American, 0.0013%; no homozygotes.

Submission:

PreventionGenetics, part of Exact Sciences
Classification: Likely pathogenic for DNAH9-related condition. Last evaluated: 2023-02-15. Review status: criteria provided, single submitter. Criteria: ACMG Guidelines, 2015. Collection method: clinical testing. Allele origin: germline.
Comment: The DNAH9 c.8061+2T>C variant is predicted to disrupt the GT donor site and interfere with normal splicing. To our knowledge, this variant has not been reported in the literature or in a large population database, indicating this variant is rare. Variants that disrupt the consensus splice donor site in DNAH9 are expected to be pathogenic. This variant is interpreted as likely pathogenic.